The following is an entry in ClinVar:

NM_003060.4(SLC22A5):c.1641A>C (p.Glu547Asp)

Gene: SLC22A5 (solute carrier family 22 member 5; plus strand). Cytogenetic location: 5q31.1.
Variant type: single nucleotide variant.
Coding change: c.1641A>C on transcript NM_003060.4 (MANE Select); coding-DNA position 1641, A replaced by C.
Protein change: p.Glu547Asp; replaces glutamic acid 547 with aspartic acid.
Molecular consequence: missense variant.
Genome position (GRCh38, 1-based): chr5:132,394,239, A>C. VCF-style: chr5-132394239-A-C. GRCh37 (hg19) VCF-style: chr5-131729931-A-C.
Other names: c.1713A>C, p.Glu571Asp (NM_001308122.2); short protein forms E571D, E547D.
Identifiers: ClinVar variation 864819 (VCV000864819.11), dbSNP rs1485984674, ClinGen allele CA360810320.

ClinVar aggregate classification (germline): Uncertain significance. Review status: criteria provided, single submitter (1 of 4 stars). 2 submissions from 2 submitters: Uncertain significance (1). 1 of the submissions does not count toward it. Last evaluated 2022-06-03.

Conditions:
Decreased circulating carnitine concentration. Also called: Decreased plasma carnitine. Identifiers: MedGen C5848230, HP:0003234.
Renal carnitine transport defect (CDSP). Also called: Carnitine transporter deficiency; Carnitine Deficiency, Systemic; Systemic primary carnitine deficiency disease; Primary carnitine deficiency; Systemic primary carnitine deficiency; CARNITINE DEFICIENCY, SYSTEMIC, DUE TO DEFECT IN RENAL REABSORPTION OF CARNITINE. Identifiers: Orphanet 158, MedGen C0342788, MONDO:0008919, OMIM 212140.

Allele frequency attached by ClinVar (database versions not stated): gnomAD exomes 0.00001; gnomAD 0.00001.
gnomAD v4.1: 17 of 1,613,470 alleles (0.0011%); highest among the groups gnomAD compares: Non-Finnish European, 0.0013%; no homozygotes.

Submissions (2):

Labcorp Genetics (formerly Invitae), Labcorp
Classification: Uncertain significance for Renal carnitine transport defect. Last evaluated: 2022-06-03. Review status: criteria provided, single submitter. Criteria: Invitae Variant Classification Sherloc (09022015). Collection method: clinical testing. Allele origin: germline.
Comment: This sequence change replaces glutamic acid, which is acidic and polar, with aspartic acid, which is acidic and polar, at codon 547 of the SLC22A5 protein (p.Glu547Asp). This variant is present in population databases (no rsID available, gnomAD 0.002%). This variant has not been reported in the literature in individuals affected with SLC22A5-related conditions. ClinVar contains an entry for this variant (Variation ID: 864819). Advanced modeling of protein sequence and biophysical properties (such as structural, functional, and spatial information, amino acid conservation, physicochemical variation, residue mobility, and thermodynamic stability) performed at Invitae indicates that this missense variant is not expected to disrupt SLC22A5 protein function. In summary, the available evidence is currently insufficient to determine the role of this variant in disease. Therefore, it has been classified as a Variant of Uncertain Significance.

Natera, Inc.
Classification: Uncertain significance for Carnitine deficiency. Last evaluated: 2021-07-06. Review status: no assertion criteria provided. Collection method: clinical testing. Allele origin: germline. Not counted in ClinVar's aggregate classification.